The following is an entry in ClinVar:

NM_000350.3(ABCA4):c.4823A>G (p.His1608Arg)

Genes: ABCA4 (ATP binding cassette subfamily A member 4; minus strand), LOC126805793 (CDK7 strongly-dependent group 2 enhancer GRCh37_chr1:94486302-94487501; plus strand). Cytogenetic location: 1p22.1.
Variant type: single nucleotide variant.
Coding change: c.4823A>G on transcript NM_000350.3 (MANE Select); coding-DNA position 4823, A replaced by G.
Protein change: p.His1608Arg; replaces histidine 1608 with arginine.
Molecular consequence: missense variant.
Genome position (GRCh38, 1-based): chr1:94,021,665, T>C on the plus strand (A>G on the coding strand, the complement: ABCA4 is on the minus strand). VCF-style: chr1-94021665-T-C. GRCh37 (hg19) VCF-style: chr1-94487221-T-C.
Other names: c.4601A>G, p.His1534Arg (NM_001425324.1); short protein forms H1608R, H1534R.
Identifiers: ClinVar variation 941485 (VCV000941485.10), dbSNP rs151145662, ClinGen allele CA26845013.

ClinVar aggregate classification (germline): Uncertain significance. Review status: criteria provided, multiple submitters, no conflicts (2 of 4 stars). 3 submissions from 3 submitters: Uncertain significance (2). 1 of the submissions does not count toward it. Last evaluated 2024-10-31.

Conditions:
Retinal dystrophy. Also called: Inherited retinal dystrophy. Identifiers: Orphanet 71862, MedGen C0854723, MeSH D058499, MONDO:0019118, HP:0000556.

Allele frequency attached by ClinVar (database versions not stated): gnomAD exomes below 0.00001 and 0.00001; TOPMed below 0.00001; gnomAD 0.00001; ESP Exome Variant Server 0.00008.
gnomAD v4.1: 7 of 1,612,888 alleles (0.00043%); highest among the groups gnomAD compares: South Asian, 0.0011%; no homozygotes.

Submissions (3):

Blueprint Genetics
Classification: Uncertain significance. Last evaluated: 2024-10-31. Review status: criteria provided, single submitter. Criteria: ACMG Guidelines, 2015. Collection method: clinical testing. Allele origin: germline.

Labcorp Genetics (formerly Invitae), Labcorp
Classification: Uncertain significance. Last evaluated: 2023-08-04. Review status: criteria provided, single submitter. Criteria: Invitae Variant Classification Sherloc (09022015). Collection method: clinical testing. Allele origin: germline.
Comment: This variant has not been reported in the literature in individuals affected with ABCA4-related conditions. This variant is present in population databases (rs151145662, gnomAD 0.0009%). This sequence change replaces histidine, which is basic and polar, with arginine, which is basic and polar, at codon 1608 of the ABCA4 protein (p.His1608Arg). ClinVar contains an entry for this variant (Variation ID: 941485). In summary, the available evidence is currently insufficient to determine the role of this variant in disease. Therefore, it has been classified as a Variant of Uncertain Significance. Advanced modeling of protein sequence and biophysical properties (such as structural, functional, and spatial information, amino acid conservation, physicochemical variation, residue mobility, and thermodynamic stability) performed at Invitae indicates that this missense variant is not expected to disrupt ABCA4 protein function.

Institute of Human Genetics, Univ. Regensburg, Univ. Regensburg
Classification: Uncertain significance for Retinal dystrophy. Last evaluated: 2021-01-01. Review status: no assertion criteria provided. Criteria: ACMG Guidelines, 2015. Collection method: clinical testing. Allele origin: germline. Affected: yes. Not counted in ClinVar's aggregate classification.